The following is an entry in ClinVar:

NM_001303052.2(MYT1L):c.600G>C (p.Leu200=)

Gene: MYT1L (myelin transcription factor 1 like; minus strand). Cytogenetic location: 2p25.3.
Variant type: single nucleotide variant.
Coding change: c.600G>C on transcript NM_001303052.2 (MANE Select); coding-DNA position 600, G replaced by C.
Protein change: p.Leu200=; no amino-acid change (leucine 200 retained).
Molecular consequence: synonymous variant.
Genome position (GRCh38, 1-based): chr2:1,923,169, C>G on the plus strand (G>C on the coding strand, the complement: MYT1L is on the minus strand). VCF-style: chr2-1923169-C-G. GRCh37 (hg19) VCF-style: chr2-1926941-C-G.
Other names: c.600G>C, p.Leu200= (NM_001329844.2, NM_001329845.1, NM_001329846.3 and 6 more transcripts).
Identifiers: ClinVar variation 4534107 (VCV004534107.6).

ClinVar aggregate classification (germline): Likely benign (1 of 4 stars; one submission).

Submission:

CeGaT Center for Human Genetics Tuebingen
Classification: Likely benign. Last evaluated: 2025-10-01. Review status: criteria provided, single submitter. Criteria: CeGaT Center For Human Genetics Tuebingen Variant Classification Criteria Version 2. Collection method: clinical testing. Allele origin: germline. Affected: yes. Observed: 1 variant allele.
Comment: MYT1L: PM2:Supporting, BP4, BP7